The following is an entry in ClinVar:

ClinVar aggregate classification (germline): Uncertain significance (1 of 4 stars; one submission).

Submission:

Labcorp Genetics (formerly Invitae), Labcorp
Classification: Uncertain significance. Last evaluated: 2024-09-14. Review status: criteria provided, single submitter. Criteria: Invitae Variant Classification Sherloc (09022015). Collection method: clinical testing. Allele origin: germline.
Comment: This sequence change falls in intron 13 of the NALCN gene. It does not directly change the encoded amino acid sequence of the NALCN protein. This variant is not present in population databases (gnomAD no frequency). This variant has not been reported in the literature in individuals affected with NALCN-related conditions. Algorithms developed to predict the effect of sequence changes on RNA splicing suggest that this variant may create or strengthen a splice site. In summary, the available evidence is currently insufficient to determine the role of this variant in disease. Therefore, it has been classified as a Variant of Uncertain Significance.

NM_052867.4(NALCN):c.1626+9_1626+13del

Gene: NALCN (sodium leak channel, non-selective; minus strand). Cytogenetic location: 13q33.1.
Variant type: Deletion.
Coding change: c.1626+9_1626+13del on transcript NM_052867.4 (MANE Select); bases 9 to 13 of the intron after coding-DNA position 1626, 5 bases deleted (TTTAA; older notation c.1626+9_1626+13delTTTAA).
Molecular consequence: intron variant.
Genome position (GRCh38, 1-based): chr13:101,229,380-101,229,384, TTAAA deleted on the plus strand (TTTAA on the coding strand, the reverse complement: NALCN is on the minus strand). VCF-style (leftmost placement, unchanged base first): chr13-101229379-TTTAAA-T. GRCh37 (hg19) VCF-style: chr13-101881730-TTTAAA-T.
Other names: c.1539+9_1539+13del (NM_001350750.2, NM_001350751.2); c.1626+9_1626+13del (NM_001350748.2, NM_001350749.2).
Identifiers: ClinVar variation 3716986 (VCV003716986.2).